The following is an entry in ClinVar:

ClinVar aggregate classification (germline): Uncertain significance. Review status: criteria provided, multiple submitters, no conflicts (2 of 4 stars). 2 submissions from 2 submitters: Uncertain significance (2). Last evaluated 2025-05-31.

Conditions:
DICER1-related tumor predisposition. Also called: DICER1-related pleuropulmonary blastoma cancer predisposition syndrome; DICER1 syndrome. Identifiers: Orphanet 284343, MedGen C3839822, MONDO:0100216.
Hereditary cancer-predisposing syndrome. Also called: Neoplastic Syndromes, Hereditary; Tumor predisposition; Hereditary neoplastic syndrome; Hereditary Cancer Syndrome. Identifiers: Orphanet 140162, MedGen C0027672, MeSH D009386, MONDO:0015356.

gnomAD v4.1: 1 of 1,614,162 alleles (0.000062%); no homozygotes.

Submissions (2):

Ambry Genetics
Classification: Uncertain significance for Hereditary cancer-predisposing syndrome. Last evaluated: 2025-05-31. Review status: criteria provided, single submitter. Criteria: Ambry Variant Classification Scheme 2023. Collection method: clinical testing. Allele origin: germline.
Comment: The p.D1522E variant (also known as c.4566C>G), located in coding exon 22 of the DICER1 gene, results from a C to G substitution at nucleotide position 4566. The aspartic acid at codon 1522 is replaced by glutamic acid, an amino acid with highly similar properties. This amino acid position is conserved. In addition, the in silico prediction for this alteration is inconclusive. Based on the available evidence, the clinical significance of this variant remains unclear.

Labcorp Genetics (formerly Invitae), Labcorp
Classification: Uncertain significance for DICER1-related tumor predisposition. Last evaluated: 2023-08-18. Review status: criteria provided, single submitter. Criteria: Invitae Variant Classification Sherloc (09022015). Collection method: clinical testing. Allele origin: germline.
Comment: In summary, the available evidence is currently insufficient to determine the role of this variant in disease. Therefore, it has been classified as a Variant of Uncertain Significance. An algorithm developed to predict the effect of missense changes on protein structure and function (PolyPhen-2) suggests that this variant is likely to be disruptive. This variant has not been reported in the literature in individuals affected with DICER1-related conditions. This variant is present in population databases (no rsID available, gnomAD 0.0009%). This sequence change replaces aspartic acid, which is acidic and polar, with glutamic acid, which is acidic and polar, at codon 1522 of the DICER1 protein (p.Asp1522Glu).

NM_177438.3(DICER1):c.4566C>G (p.Asp1522Glu)

Gene: DICER1 (dicer 1, ribonuclease III; minus strand). Cytogenetic location: 14q32.13.
Variant type: single nucleotide variant.
Coding change: c.4566C>G on transcript NM_177438.3 (MANE Select); coding-DNA position 4566, C replaced by G.
Protein change: p.Asp1522Glu; replaces aspartic acid 1522 with glutamic acid.
Molecular consequence: missense variant. On other transcripts: non-coding transcript variant (6).
Genome position (GRCh38, 1-based): chr14:95,096,354, G>C on the plus strand (C>G on the coding strand, the complement: DICER1 is on the minus strand). VCF-style: chr14-95096354-G-C. GRCh37 (hg19) VCF-style: chr14-95562691-G-C.
Other names: c.4566C>G, p.Asp1522Glu (NM_001195573.1, NM_001271282.3, NM_001291628.2 and 13 more transcripts); c.4284C>G, p.Asp1428Glu (NM_001395686.1); c.4161C>G, p.Asp1387Glu (NM_001395687.1, NM_001395688.1, NM_001395689.1 and 2 more transcripts); c.3999C>G, p.Asp1333Glu (NM_001395691.1); c.2883C>G, p.Asp961Glu (NM_001395697.1); short protein forms D1333E, D1387E, D1522E, D1428E, D961E.
Identifiers: ClinVar variation 2753659 (VCV002753659.4), dbSNP rs1364431792, ClinGen allele CA390867800.